The following is an entry in ClinVar:

NM_153717.3(EVC):c.1715C>A (p.Ser572Ter)

Gene: EVC (EvC ciliary complex subunit 1; plus strand). Cytogenetic location: 4p16.2.
Variant type: single nucleotide variant.
Coding change: c.1715C>A on transcript NM_153717.3 (MANE Select); coding-DNA position 1715, C replaced by A.
Protein change: p.Ser572Ter; replaces serine 572 with a stop codon.
Molecular consequence: nonsense.
Genome position (GRCh38, 1-based): chr4:5,783,703, C>A. VCF-style: chr4-5783703-C-A. GRCh37 (hg19) VCF-style: chr4-5785430-C-A.
Other names: c.1715C>A, p.Ser572Ter (NM_001306090.2); short protein forms S572*.
Identifiers: ClinVar variation 4816924 (VCV004816924.1).

ClinVar aggregate classification (germline): Likely pathogenic (1 of 4 stars; one submission).

Conditions:
Ellis-van Creveld syndrome (EVC). Also called: Chondroectodermal dysplasia; EVC-Related Ellis-van Creveld Syndrome; EVC2-Related Ellis-van Creveld Syndrome; MESOECTODERMAL DYSPLASIA. Identifiers: Orphanet 289, MedGen C0013903, MONDO:0009162, OMIM 225500.

Submission:

Natera, Inc.
Classification: Likely pathogenic for Ellis-van Creveld syndrome. Last evaluated: 2024-04-13. Review status: criteria provided, single submitter. Criteria: Natera Variant Classification Schema (03/2026). Collection method: clinical testing. Allele origin: germline.
Comment: The c.1715C>A variant in EVC is a nonsense variant predicted to introduce a stop codon at amino acid 572. This variant is expected to result in nonsense mediated decay, truncation, or a dysfunctional protein product. This variant is rare in the general population with a frequency below the threshold expected for the associated phenotype(s). Given the available evidence, this variant is classified as Likely Pathogenic.